The following is an entry in ClinVar:

ClinVar aggregate classification (germline): Benign/Likely benign. Review status: criteria provided, multiple submitters, no conflicts (2 of 4 stars). 5 submissions from 5 submitters: Benign (1); Likely benign (4). Last evaluated 2026-01-18.

Conditions:
CLCN5-related disorder. Also called: CLCN5-related condition.
Proteinuria, low molecular weight, with hypercalciuria and nephrocalcinosis. Identifiers: Orphanet 1652, Orphanet 93622, MedGen C1839874, MONDO:0010644, OMIM 308990.
Hypophosphatemic rickets, X-linked recessive (XLHRR). Identifiers: Orphanet 1652, Orphanet 93622, MedGen C1845168, MONDO:0010358, OMIM 300554.
X-linked recessive nephrolithiasis with renal failure (XRN). Also called: NEPHROLITHIASIS 1; NEPHROLITHIASIS, X-LINKED RECESSIVE, TYPE 1; UROLITHIASIS, X-LINKED RECESSIVE, TYPE 1. Identifiers: Orphanet 1652, Orphanet 93622, MedGen C0403720, MONDO:0010687, OMIM 310468.
Dent disease type 1 (DENT1). Also called: NEPHROLITHIASIS 2; NEPHROLITHIASIS, HYPERCALCIURIC, X-LINKED. Identifiers: Orphanet 1652, Orphanet 93622, MedGen C1848336, MONDO:0010225, OMIM 300009.
Inborn genetic diseases. Identifiers: MedGen C0950123, MeSH D030342.

Allele frequency attached by ClinVar (database versions not stated): TOPMed 0.00001; gnomAD 0.00005; gnomAD exomes 0.00009 and 0.00013; ExAC 0.00019; 1000 Genomes Project 0.00079; 1000 Genomes Project 30x 0.00083.

Submissions (5):

Labcorp Genetics (formerly Invitae), Labcorp
Classification: Likely benign. Last evaluated: 2026-01-18. Review status: criteria provided, single submitter. Criteria: Invitae Variant Classification Sherloc (09022015). Collection method: clinical testing. Allele origin: germline.

PreventionGenetics, part of Exact Sciences
Classification: Likely benign for CLCN5-related condition. Last evaluated: 2025-06-11. Review status: criteria provided, single submitter. Criteria: ACMG Guidelines, 2015. Collection method: clinical testing. Allele origin: germline.
Comment: This variant is classified as likely benign based on ACMG/AMP sequence variant interpretation guidelines (Richards et al. 2015 PMID: 25741868, with internal and published modifications).

Ambry Genetics
Classification: Likely benign for Inborn genetic diseases. Last evaluated: 2024-10-24. Review status: criteria provided, single submitter. Criteria: Ambry Variant Classification Scheme 2023. Collection method: clinical testing. Allele origin: germline.

Fulgent Genetics
Classification: Likely benign for Dent disease type 1; Hypophosphatemic rickets, X-linked recessive; Proteinuria, low molecular weight, with hypercalciuria and nephrocalcinosis; X-linked recessive nephrolithiasis with renal failure. Last evaluated: 2021-12-04. Review status: criteria provided, single submitter. Criteria: ACMG Guidelines, 2015. Collection method: clinical testing. Allele origin: unknown.

Illumina Laboratory Services, Illumina
Classification: Benign for Dent disease type 1. Last evaluated: 2018-01-13. Review status: criteria provided, single submitter. Criteria: ICSL Variant Classification Criteria 13 December 2019. Collection method: clinical testing. Allele origin: germline.
Comment: This variant was observed in the ICSL laboratory as part of a predisposition screen in an ostensibly healthy population. It had not been previously curated by ICSL or reported in the Human Gene Mutation Database (HGMD: prior to June 1st, 2018), and was therefore a candidate for classification through an automated scoring system. Utilizing variant allele frequency, disease prevalence and penetrance estimates, and inheritance mode, an automated score was calculated to assess if this variant is too frequent to cause the disease. Based on the score and internal cut-off values, a variant classified as benign is not then subjected to further curation. The score for this variant resulted in a classification of benign for this disease.

NM_001127898.4(CLCN5):c.1223G>A (p.Arg408His)

Gene: CLCN5 (Cl-/H+ antiporter 5; plus strand). Cytogenetic location: Xp11.23.
Variant type: single nucleotide variant.
Coding change: c.1223G>A on transcript NM_001127898.4 (MANE Select); coding-DNA position 1223, G replaced by A.
Protein change: p.Arg408His; replaces arginine 408 with histidine.
Molecular consequence: missense variant.
Genome position (GRCh38, 1-based): chrX:50,086,536, G>A. VCF-style: chrX-50086536-G-A. GRCh37 (hg19) VCF-style: chrX-49851193-G-A.
Other names: c.1013G>A (NM_000084.2, NM_000084.4); c.1013G>A, p.Arg338His (NM_000084.5); c.1223G>A, p.Arg408His (NM_001127899.4); c.1073G>A, p.Arg358His (NM_001282163.2); short protein forms R408H, R338H, R358H.
Identifiers: ClinVar variation 914338 (VCV000914338.15), dbSNP rs781790886, ClinGen allele CA10413849.
Genomic context (GRCh38, chrX:50,086,536, plus strand): 5'-AGCTCGTGCCATTCATTCTGCTGGGCATATTTGGTGGTCTGTGGGGAGCACTGTTTATCC[G>A]CACAAACATTGCCTGGTGTCGGAAGCGAAAGACCACCCAGTTGGGCAAGTATCCTGTTAT-3'
Protein context (NP_001121370.1, residues 398-418): FGGLWGALFI[Arg408His]TNIAWCRKRK